The following is an entry in ClinVar:

ClinVar aggregate classification (germline): Pathogenic. Review status: criteria provided, multiple submitters, no conflicts (2 of 4 stars). 4 submissions from 4 submitters: Pathogenic (4). Last evaluated 2024-12-16.

Conditions:
Renal tubular acidosis with progressive nerve deafness. Also called: Distal Renal Tubular Acidosis with Progressive Sensorineural Deafness; RTA WITH PROGRESSIVE NERVE DEAFNESS; renal tubular acidosis, distal, 2, with progressive sensorineural hearing loss; RENAL TUBULAR ACIDOSIS, AUTOSOMAL RECESSIVE, WITH PROGRESSIVE NERVE DEAFNESS. Identifiers: MedGen C0403554, MONDO:0009968, OMIM 267300.

Submissions (4):

Natera, Inc.
Classification: Pathogenic for Renal tubular acidosis with progressive nerve deafness. Last evaluated: 2024-12-16. Review status: criteria provided, single submitter. Criteria: Natera Variant Classification Schema (03/2026). Collection method: clinical testing. Allele origin: germline.
Comment: The c.1155delC variant in ATP6V1B1 is a frameshift variant predicted to shift the reading frame beginning at codon 386 and leads to a stop codon 10 codons downstream. This variant is expected to result in nonsense mediated decay, truncation, or a dysfunctional protein product. This variant is rare in the general population with a frequency below the threshold expected for the associated phenotype(s). This variant has been observed in one or more individuals affected with the associated recessive disease, as either homozygous or compound heterozygous with a second variant (PMID: 16611712). Given the available evidence, this variant is classified as Pathogenic.

Myriad Genetics, Inc.
Classification: Pathogenic for Renal tubular acidosis with progressive nerve deafness. Last evaluated: 2024-05-14. Review status: criteria provided, single submitter. Criteria: Myriad Autosomal Dominant, Autosomal Recessive and X-Linked Classification Criteria (2023). Collection method: clinical testing. Allele origin: unknown.
Comment: NM_001692.3(ATP6V1B1):c.1155delC(I386Sfs*10) is expected to be pathogenic in the context of distal renal tubular acidosis with deafness, ATP6V1B1-related. This variant is predicted to lead to an abnormal or absent protein product due to the creation of a premature termination codon in ATP6V1B1, a gene where loss-of-function variants are known to be pathogenic. Please note: this variant was assessed in the context of healthy population screening.

Fulgent Genetics
Classification: Pathogenic for Renal tubular acidosis with progressive nerve deafness. Last evaluated: 2024-03-08. Review status: criteria provided, single submitter. Criteria: ACMG Guidelines, 2015. Collection method: clinical testing. Allele origin: germline.

Labcorp Genetics (formerly Invitae), Labcorp
Classification: Pathogenic. Last evaluated: 2023-06-04. Review status: criteria provided, single submitter. Criteria: Invitae Variant Classification Sherloc (09022015). Collection method: clinical testing. Allele origin: germline.
Comment: This premature translational stop signal has been observed in individual(s) with renal tubular acidosis and deafness (PMID: 9916796). This variant is present in population databases (rs782051834, gnomAD 0.0009%). This sequence change creates a premature translational stop signal (p.Ile386Serfs*10) in the ATP6V1B1 gene. It is expected to result in an absent or disrupted protein product. Loss-of-function variants in ATP6V1B1 are known to be pathogenic (PMID: 9916796, 18368028). For these reasons, this variant has been classified as Pathogenic. ClinVar contains an entry for this variant (Variation ID: 953951). This variant is also known as P385: 1-bp del.

Literature cited by the submitters: PubMed 16611712 (cited by Natera, Inc.); PubMed 9916796 (cited by Labcorp Genetics (formerly Invitae), Labcorp); PubMed 18368028 (cited by Labcorp Genetics (formerly Invitae), Labcorp).

NM_001692.4(ATP6V1B1):c.1155del (p.Ile386fs)

Gene: ATP6V1B1 (ATPase H+ transporting V1 subunit B1; plus strand). Cytogenetic location: 2p13.3.
Variant type: Deletion.
Coding change: c.1155del on transcript NM_001692.4 (MANE Select); coding-DNA position 1155, one base deleted (C; older notation c.1155delC).
Protein change: p.Ile386fs; shifts the reading frame from isoleucine 386.
Molecular consequence: frameshift variant.
Genome position (GRCh38, 1-based): chr2:70,964,449, C deleted; the last of 7 consecutive C bases (chr2:70,964,443-70,964,449); deleting any one gives the same sequence. VCF-style (leftmost placement, unchanged base first): chr2-70964442-AC-A. GRCh37 (hg19) VCF-style: chr2-71191572-AC-A.
Other names: c.1155delC (NM_001692.3); short protein forms I386fs.
Identifiers: ClinVar variation 953951 (VCV000953951.15), dbSNP rs781969081, ClinGen allele CA1701278.